The following is an entry in ClinVar:

ClinVar aggregate classification (germline): Uncertain significance. Review status: criteria provided, multiple submitters, no conflicts (2 of 4 stars). 2 submissions from 2 submitters: Uncertain significance (2). Last evaluated 2026-03-01.

Conditions:
Hereditary cancer-predisposing syndrome. Also called: Tumor predisposition; Hereditary Cancer Syndrome; Neoplastic Syndromes, Hereditary; Hereditary neoplastic syndrome. Identifiers: Orphanet 140162, MedGen C0027672, MeSH D009386, MONDO:0015356.

Submissions (2):

Ambry Genetics
Classification: Uncertain significance for Hereditary cancer-predisposing syndrome. Last evaluated: 2026-03-01. Review status: criteria provided, single submitter. Criteria: Ambry Variant Classification Scheme 2023. Collection method: clinical testing. Allele origin: germline.
Comment: The p.Q65R variant (also known as c.194A>G), located in coding exon 2 of the BRIP1 gene, results from an A to G substitution at nucleotide position 194. The glutamine at codon 65 is replaced by arginine, an amino acid with highly similar properties. This amino acid position is conserved. In addition, this alteration is predicted to be tolerated by in silico analysis. Based on the available evidence, the clinical significance of this variant remains unclear.

Color Diagnostics, LLC DBA Color Health
Classification: Uncertain significance for Hereditary cancer-predisposing syndrome. Last evaluated: 2023-12-05. Review status: criteria provided, single submitter. Criteria: ACMG Guidelines, 2015. Collection method: clinical testing. Allele origin: germline.
Comment: This missense variant replaces glutamine with arginine at codon 65 of the BRIP1 protein. Computational prediction suggests that this variant may not impact protein structure and function (internally defined REVEL score threshold <= 0.5, PMID: 27666373). To our knowledge, functional studies have not been reported for this variant. This variant has not been reported in individuals affected with BRIP1-related disorders in the literature. This variant has not been identified in the general population by the Genome Aggregation Database (gnomAD). The available evidence is insufficient to determine the role of this variant in disease conclusively. Therefore, this variant is classified as a Variant of Uncertain Significance.

NM_032043.3(BRIP1):c.194A>G (p.Gln65Arg)

Gene: BRIP1 (BRCA1 interacting DNA helicase 1; minus strand). Cytogenetic location: 17q23.2.
Variant type: single nucleotide variant.
Coding change: c.194A>G on transcript NM_032043.3 (MANE Select); coding-DNA position 194, A replaced by G.
Protein change: p.Gln65Arg; replaces glutamine 65 with arginine.
Molecular consequence: missense variant.
Genome position (GRCh38, 1-based): chr17:61,859,807, T>C on the plus strand (A>G on the coding strand, the complement: BRIP1 is on the minus strand). VCF-style: chr17-61859807-T-C. GRCh37 (hg19) VCF-style: chr17-59937168-T-C.
Other names: short protein forms Q65R.
Identifiers: ClinVar variation 489817 (VCV000489817.7), dbSNP rs1555618377, ClinGen allele CA400485667.
Genomic context (GRCh38, chr17:61,859,807, plus strand): 5'-TTTTCTCAGATCCCAGTAAGTAACCTGAAGATATCAAGCAACTACTTACCACTAAGAGAT[T>C]GTTGCCATGCTAAAGCAGAACAAAGTAAGGCTAAGCTTTTTCCACTTCCTGTGGGACTCT-3'
Protein context (NP_114432.2, residues 55-75): ALLCSALAWQ[Gln65Arg]SLSGKPADEG